The following is an entry in ClinVar:

NM_052867.4(NALCN):c.2246A>G (p.Lys749Arg)

Gene: NALCN (sodium leak channel, non-selective; minus strand). Cytogenetic location: 13q33.1.
Variant type: single nucleotide variant.
Coding change: c.2246A>G on transcript NM_052867.4 (MANE Select); coding-DNA position 2246, A replaced by G.
Protein change: p.Lys749Arg; replaces lysine 749 with arginine.
Molecular consequence: missense variant.
Genome position (GRCh38, 1-based): chr13:101,111,173, T>C on the plus strand (A>G on the coding strand, the complement: NALCN is on the minus strand). VCF-style: chr13-101111173-T-C. GRCh37 (hg19) VCF-style: chr13-101763524-T-C.
Other names: c.2333A>G, p.Lys778Arg (NM_001350748.2); c.2246A>G, p.Lys749Arg (NM_001350749.2); c.2159A>G, p.Lys720Arg (NM_001350750.2, NM_001350751.2); short protein forms K720R, K749R, K778R.
Identifiers: ClinVar variation 4753931 (VCV004753931.1).

ClinVar aggregate classification (germline): Uncertain significance (1 of 4 stars; one submission).

gnomAD v4.1: 2 of 1,608,946 alleles (0.00012%); highest among the groups gnomAD compares: African/African-American, 0.0027%; no homozygotes.

Submission:

Labcorp Genetics (formerly Invitae), Labcorp
Classification: Uncertain significance. Last evaluated: 2025-09-24. Review status: criteria provided, single submitter. Criteria: Invitae Variant Classification Sherloc (09022015). Collection method: clinical testing. Allele origin: germline.
Comment: This sequence change replaces lysine, which is basic and polar, with arginine, which is basic and polar, at codon 749 of the NALCN protein (p.Lys749Arg). This variant is not present in population databases (gnomAD no frequency). This variant has not been reported in the literature in individuals affected with NALCN-related conditions. Invitae Evidence Modeling of protein sequence and biophysical properties (such as structural, functional, and spatial information, amino acid conservation, physicochemical variation, residue mobility, and thermodynamic stability) indicates that this missense variant is not expected to disrupt NALCN protein function with a negative predictive value of 80%. In summary, the available evidence is currently insufficient to determine the role of this variant in disease. Therefore, it has been classified as a Variant of Uncertain Significance.